The following is an entry in ClinVar:

NM_000090.4(COL3A1):c.4372G>A (p.Val1458Met)

Gene: COL3A1 (collagen type III alpha 1 chain; plus strand). Cytogenetic location: 2q32.2.
Variant type: single nucleotide variant.
Coding change: c.4372G>A on transcript NM_000090.4 (MANE Select); coding-DNA position 4372, G replaced by A.
Protein change: p.Val1458Met; replaces valine 1458 with methionine.
Molecular consequence: missense variant.
Genome position (GRCh38, 1-based): chr2:189,011,745, G>A. VCF-style: chr2-189011745-G-A. GRCh37 (hg19) VCF-style: chr2-189876471-G-A.
Other names: short protein forms V1458M.
Identifiers: ClinVar variation 1686715 (VCV001686715.9), dbSNP rs751427069, ClinGen allele CA076577.
Genomic context (GRCh38, chr2:189,011,745, plus strand): 5'-AGACTACCTATTGTAGATATTGCACCCTATGACATTGGTGGTCCTGATCAAGAATTTGGT[G>A]TGGACGTTGGCCCTGTTTGCTTTTTATAAACCAAACTCTATCTGAAATCCCAACAAAAAA-3'
Protein context (NP_000081.2, residues 1448-1466): DIGGPDQEFG[Val1458Met]DVGPVCFL

ClinVar aggregate classification (germline): Uncertain significance. Review status: criteria provided, multiple submitters, no conflicts (2 of 4 stars). 5 submissions from 5 submitters: Uncertain significance (5). Last evaluated 2026-02-24.

Conditions:
Familial thoracic aortic aneurysm and aortic dissection (TAAD). Also called: Thoracic aortic aneurysms and dissections. Identifiers: Orphanet 91387, MedGen C4707243, MONDO:0019625.
Ehlers-Danlos syndrome, type 4 (EDSVASC). Also called: Ehlers-Danlos syndrome vascular type; Ehlers Danlos syndrome, ecchymotic type; Ehlers Danlos syndrome, arterial type; Ehlers Danlos syndrome, Sack-Barabas type; Ehlers-Danlos Syndrome Type IV. Identifiers: Orphanet 286, MedGen C0268338, MONDO:0017314, OMIM 130050.

Allele frequency attached by ClinVar (database versions not stated): gnomAD exomes below 0.00001 and 0.00001; ExAC 0.00001.
gnomAD v4.1: 4 of 1,613,964 alleles (0.00025%); highest among the groups gnomAD compares: Admixed American, 0.005%; no homozygotes.

Submissions (5):

Ambry Genetics
Classification: Uncertain significance for Familial thoracic aortic aneurysm and aortic dissection. Last evaluated: 2026-02-24. Review status: criteria provided, single submitter. Criteria: Ambry Variant Classification Scheme 2023. Collection method: clinical testing. Allele origin: germline.

All of Us Research Program, National Institutes of Health
Classification: Uncertain significance for Ehlers-Danlos syndrome, type 4. Last evaluated: 2024-08-29. Review status: criteria provided, single submitter. Criteria: ACMG Guidelines, 2015. Collection method: clinical testing. Allele origin: germline. Inheritance: Autosomal dominant inheritance. Observed: 5 variant alleles, 5 heterozygotes.
Comment: This missense variant replaces valine with methionine at codon 1458 of the COL3A1 protein. Computational prediction suggests that this variant may not impact protein structure and function (internally defined REVEL score threshold <= 0.5, PMID: 27666373). To our knowledge, functional studies have not been reported for this variant. This variant has not been reported in individuals affected with cardiovascular disorders in the literature. This variant has been identified in 2/251236 chromosomes in the general population by the Genome Aggregation Database (gnomAD). The available evidence is insufficient to determine the role of this variant in disease conclusively. Therefore, this variant is classified as a Variant of Uncertain Significance.

This study involves interpretation of variants in research participants for the purpose of population health screening. Participant phenotype was not available at the time of variant classification. Additional details can be found in publication PMID: 35346344, PMCID: PMC8962531

Color Diagnostics, LLC DBA Color Health
Classification: Uncertain significance for Familial thoracic aortic aneurysm and aortic dissection. Last evaluated: 2024-03-07. Review status: criteria provided, single submitter. Criteria: ACMG Guidelines, 2015. Collection method: clinical testing. Allele origin: germline.
Comment: This missense variant replaces valine with methionine at codon 1458 of the COL3A1 protein. Computational prediction suggests that this variant may not impact protein structure and function (internally defined REVEL score threshold <= 0.5, PMID: 27666373). To our knowledge, functional studies have not been reported for this variant. This variant has not been reported in individuals affected with COL3A1-related disorders in the literature. This variant has been identified in 2/251236 chromosomes in the general population by the Genome Aggregation Database (gnomAD). The available evidence is insufficient to determine the role of this variant in disease conclusively. Therefore, this variant is classified as a Variant of Uncertain Significance.

Labcorp Genetics (formerly Invitae), Labcorp
Classification: Uncertain significance for Ehlers-Danlos syndrome, type 4. Last evaluated: 2022-06-26. Review status: criteria provided, single submitter. Criteria: Invitae Variant Classification Sherloc (09022015). Collection method: clinical testing. Allele origin: germline.
Comment: This variant is present in population databases (rs751427069, gnomAD 0.006%). This sequence change replaces valine, which is neutral and non-polar, with methionine, which is neutral and non-polar, at codon 1458 of the COL3A1 protein (p.Val1458Met). This variant has not been reported in the literature in individuals affected with COL3A1-related conditions. In summary, the available evidence is currently insufficient to determine the role of this variant in disease. Therefore, it has been classified as a Variant of Uncertain Significance. Advanced modeling of protein sequence and biophysical properties (such as structural, functional, and spatial information, amino acid conservation, physicochemical variation, residue mobility, and thermodynamic stability) performed at Invitae indicates that this missense variant is not expected to disrupt COL3A1 protein function.

GeneDx
Classification: Uncertain significance. Last evaluated: 2021-11-23. Review status: criteria provided, single submitter. Criteria: GeneDx Variant Classification Process June 2021. Collection method: clinical testing. Allele origin: germline. Affected: yes.
Comment: Has not been previously published as pathogenic or benign to our knowledge; Not observed at significant frequency in large population cohorts (gnomAD); In silico analysis supports that this missense variant does not alter protein structure/function; Not located in the triple helical region, where the majority of pathogenic missense variants occur (HGMD)